The following is an entry in ClinVar:

NM_133433.4(NIPBL):c.6302A>G (p.Gln2101Arg)

Gene: NIPBL (NIPBL cohesin loading factor; plus strand). Cytogenetic location: 5p13.2.
Variant type: single nucleotide variant.
Coding change: c.6302A>G on transcript NM_133433.4 (MANE Select); coding-DNA position 6302, A replaced by G.
Protein change: p.Gln2101Arg; replaces glutamine 2101 with arginine.
Molecular consequence: missense variant.
Genome position (GRCh38, 1-based): chr5:37,044,688, A>G. VCF-style: chr5-37044688-A-G. GRCh37 (hg19) VCF-style: chr5-37044790-A-G.
Other names: c.6302A>G, p.Gln2101Arg (NM_015384.5); short protein forms Q2101R.
Identifiers: ClinVar variation 2752431 (VCV002752431.3), dbSNP rs2478579610, ClinGen allele CA359503406.

ClinVar aggregate classification (germline): Uncertain significance (1 of 4 stars; one submission).

Conditions:
Cornelia de Lange syndrome 1 (CDLS1). Also called: TYPUS DEGENERATIVUS AMSTELODAMENSIS; Brachmann de Lange syndrome; NIPBL-Related Cornelia de Lange Syndrome. Identifiers: Orphanet 199, MedGen C4551851, MONDO:0007387, OMIM 122470.

Allele frequency attached by ClinVar (database versions not stated): gnomAD exomes below 0.00001.
gnomAD v4.1: 1 of 1,613,986 alleles (0.000062%); highest among the groups gnomAD compares: Middle Eastern, 0.017%; no homozygotes.

Submission:

Labcorp Genetics (formerly Invitae), Labcorp
Classification: Uncertain significance for Cornelia de Lange syndrome 1. Last evaluated: 2023-11-27. Review status: criteria provided, single submitter. Criteria: Invitae Variant Classification Sherloc (09022015). Collection method: clinical testing. Allele origin: germline.
Comment: This sequence change replaces glutamine, which is neutral and polar, with arginine, which is basic and polar, at codon 2101 of the NIPBL protein (p.Gln2101Arg). This variant is not present in population databases (gnomAD no frequency). This variant has not been reported in the literature in individuals affected with NIPBL-related conditions. Advanced modeling of protein sequence and biophysical properties (such as structural, functional, and spatial information, amino acid conservation, physicochemical variation, residue mobility, and thermodynamic stability) performed at Invitae indicates that this missense variant is not expected to disrupt NIPBL protein function with a negative predictive value of 95%. In summary, the available evidence is currently insufficient to determine the role of this variant in disease. Therefore, it has been classified as a Variant of Uncertain Significance.